The following is an entry in ClinVar:

ClinVar aggregate classification (germline): Uncertain significance (1 of 4 stars; one submission).

Allele frequency attached by ClinVar (database versions not stated): TOPMed 0.00001.
gnomAD v4.1: 4 of 1,614,010 alleles (0.00025%); highest among the groups gnomAD compares: Middle Eastern, 0.016%; no homozygotes.

Submission:

Labcorp Genetics (formerly Invitae), Labcorp
Classification: Uncertain significance. Last evaluated: 2022-08-10. Review status: criteria provided, single submitter. Criteria: Invitae Variant Classification Sherloc (09022015). Collection method: clinical testing. Allele origin: germline.
Comment: In summary, the available evidence is currently insufficient to determine the role of this variant in disease. Therefore, it has been classified as a Variant of Uncertain Significance. Algorithms developed to predict the effect of missense changes on protein structure and function are either unavailable or do not agree on the potential impact of this missense change (SIFT: "Not Available"; PolyPhen-2: "Possibly Damaging"; Align-GVGD: "Not Available"). ClinVar contains an entry for this variant (Variation ID: 1486446). This variant has not been reported in the literature in individuals affected with MYO18B-related conditions. This variant is not present in population databases (gnomAD no frequency). This sequence change replaces proline with arginine at codon 2397 of the MYO18B protein (p.Pro2397Arg). The proline residue is weakly conserved and there is a moderately physicochemical difference between proline and arginine.

NM_032608.7(MYO18B):c.7190C>G (p.Pro2397Arg)

Gene: MYO18B (myosin XVIIIB; plus strand). Cytogenetic location: 22q12.1.
Variant type: single nucleotide variant.
Coding change: c.7190C>G on transcript NM_032608.7 (MANE Select); coding-DNA position 7190, C replaced by G.
Protein change: p.Pro2397Arg; replaces proline 2397 with arginine.
Molecular consequence: missense variant.
Genome position (GRCh38, 1-based): chr22:26,027,164, C>G. VCF-style: chr22-26027164-C-G. GRCh37 (hg19) VCF-style: chr22-26423130-C-G.
Other names: c.7193C>G, p.Pro2398Arg (NM_001318245.2); short protein forms P2398R, P2397R.
Identifiers: ClinVar variation 1486446 (VCV001486446.6), dbSNP rs1426442407, ClinGen allele CA411011907.